The following is an entry in ClinVar:

ClinVar aggregate classification (germline): Likely benign (1 of 4 stars; one submission).

gnomAD v4.1: 13 of 1,597,358 alleles (0.00081%); highest among the groups gnomAD compares: African/African-American, 0.0013%; no homozygotes.

Submission:

CeGaT Center for Human Genetics Tuebingen
Classification: Likely benign. Last evaluated: 2026-07-01. Review status: criteria provided, single submitter. Criteria: CeGaT Center For Human Genetics Tuebingen Variant Classification Criteria Version 2. Collection method: clinical testing. Allele origin: germline. Affected: yes. Observed: 1 variant allele.
Comment: RERE: BP4, BP7

NM_001042681.2(RERE):c.2772C>T (p.Ala924=)

Gene: RERE (arginine-glutamic acid dipeptide repeats; minus strand). Cytogenetic location: 1p36.23.
Variant type: single nucleotide variant.
Coding change: c.2772C>T on transcript NM_001042681.2 (MANE Select); coding-DNA position 2772, C replaced by T.
Protein change: p.Ala924=; no amino-acid change (alanine 924 retained).
Molecular consequence: synonymous variant.
Genome position (GRCh38, 1-based): chr1:8,360,735, G>A on the plus strand (C>T on the coding strand, the complement: RERE is on the minus strand). VCF-style: chr1-8360735-G-A. GRCh37 (hg19) VCF-style: chr1-8420795-G-A.
Other names: c.2772C>T, p.Ala924= (NM_012102.4); c.1110C>T, p.Ala370= (NM_001042682.2).
Identifiers: ClinVar variation 5039766 (VCV005039766.1).